The following is an entry in ClinVar:

NM_000142.5(FGFR3):c.2418G>A (p.Thr806=)

Gene: FGFR3 (fibroblast growth factor receptor 3; plus strand). Cytogenetic location: 4p16.3.
Variant type: single nucleotide variant.
Coding change: c.2418G>A on transcript NM_000142.5 (MANE Select); coding-DNA position 2418, G replaced by A.
Protein change: p.Thr806=; no amino-acid change (threonine 806 retained).
Molecular consequence: synonymous variant. On other transcripts: missense variant (1), non-coding transcript variant (1).
Genome position (GRCh38, 1-based): chr4:1,807,259, G>A. VCF-style: chr4-1807259-G-A. GRCh37 (hg19) VCF-style: chr4-1808986-G-A.
Other names: c.2424G>A, p.Thr808= (NM_001163213.2); c.2421G>A, p.Thr807= (NM_001354809.2); c.2350G>A, p.Val784Met (NM_001354810.2); c.2082G>A, p.Thr694= (NM_022965.4); c.2350G>A (NM_001354810.1); short protein forms V784M.
Identifiers: ClinVar variation 736486 (VCV000736486.9), dbSNP rs779088139, ClinGen allele CA2810873.
Genomic context (GRCh38, chr4:1,807,259, plus strand): 5'-CTCCGTGTTTGCCCACGACCTGCTGCCCCCGGCCCCACCCAGCAGTGGGGGCTCGCGGAC[G>A]TGAAGGGCCACTGGTCCCCAACAATGTGAGGGGTCCCTAGCAGCCCACCCTGCTGCTGGT-3'
Protein context (NP_000133.1, residues 796-806): PAPPSSGGSR[Thr806=]

ClinVar aggregate classification (germline): Likely benign. Review status: criteria provided, single submitter (1 of 4 stars). 2 submissions from 2 submitters: Likely benign (1). 1 of the submissions does not count toward it. Last evaluated 2023-09-30.

Conditions:
FGFR3-related disorder. Also called: FGFR3-related disorders.

Allele frequency attached by ClinVar (database versions not stated): gnomAD exomes 0.00002; TOPMed 0.00003; ExAC 0.00006.
gnomAD v4.1: 36 of 1,598,710 alleles (0.0023%); highest among the groups gnomAD compares: South Asian, 0.009%; no homozygotes.

Submissions (2):

Labcorp Genetics (formerly Invitae), Labcorp
Classification: Likely benign. Last evaluated: 2023-09-30. Review status: criteria provided, single submitter. Criteria: Invitae Variant Classification Sherloc (09022015). Collection method: clinical testing. Allele origin: germline.

PreventionGenetics, part of Exact Sciences
Classification: Uncertain significance for FGFR3-related condition. Last evaluated: 2024-02-23. Review status: no assertion criteria provided. Collection method: clinical testing. Allele origin: germline. Not counted in ClinVar's aggregate classification.
Comment: The FGFR3 c.2350G>A variant is predicted to result in the amino acid substitution p.Val784Met. To our knowledge, this variant has not been reported in the literature. This variant is reported in 0.0072% of alleles in individuals of South Asian descent in gnomAD. At this time, the clinical significance of this variant is uncertain due to the absence of conclusive functional and genetic evidence.